The following is an entry in ClinVar:

ClinVar aggregate classification (germline): Uncertain significance (1 of 4 stars; one submission).

Submission:

Labcorp Genetics (formerly Invitae), Labcorp
Classification: Uncertain significance. Last evaluated: 2024-06-26. Review status: criteria provided, single submitter. Criteria: Invitae Variant Classification Sherloc (09022015). Collection method: clinical testing. Allele origin: germline.
Comment: This sequence change replaces arginine, which is basic and polar, with histidine, which is basic and polar, at codon 588 of the SI protein (p.Arg588His). This variant is present in population databases (rs773389871, gnomAD 0.02%). This missense change has been observed in individual(s) with congenital sucrase-isomaltase deficiency (Invitae). Advanced modeling of protein sequence and biophysical properties (such as structural, functional, and spatial information, amino acid conservation, physicochemical variation, residue mobility, and thermodynamic stability) has been performed at Invitae for this missense variant, however the output from this modeling did not meet the statistical confidence thresholds required to predict the impact of this variant on SI protein function. In summary, the available evidence is currently insufficient to determine the role of this variant in disease. Therefore, it has been classified as a Variant of Uncertain Significance.

NM_001041.4(SI):c.1763G>A (p.Arg588His)

Gene: SI (sucrase-isomaltase; minus strand). Cytogenetic location: 3q26.1.
Variant type: single nucleotide variant.
Coding change: c.1763G>A on transcript NM_001041.4 (MANE Select); coding-DNA position 1763, G replaced by A.
Protein change: p.Arg588His; replaces arginine 588 with histidine.
Molecular consequence: missense variant.
Genome position (GRCh38, 1-based): chr3:165,046,965, C>T on the plus strand (G>A on the coding strand, the complement: SI is on the minus strand). VCF-style: chr3-165046965-C-T. GRCh37 (hg19) VCF-style: chr3-164764753-C-T.
Other names: short protein forms R588H.
Identifiers: ClinVar variation 3625795 (VCV003625795.1).
Genomic context (GRCh38, chr3:165,046,965, plus strand): 5'-GAAGCAGTATTGTCTCCTAACCAATGCGCAGCATGTCTTCCAGATCCAGCAAATGTTGAG[C>T]GGGTAAGAATGAAGCTTCTCTTATTAGGAAAAACTTTTTGTACAGCTCTAAAAATAAAAC-3'
Protein context (NP_001032.2, residues 578-598): FPNKRSFILT[Arg588His]STFAGSGRHA